The following is an entry in ClinVar:

ClinVar aggregate classification (germline): Uncertain significance. Review status: criteria provided, multiple submitters, no conflicts (2 of 4 stars). 2 submissions from 2 submitters: Uncertain significance (2). Last evaluated 2024-04-03.

Conditions:
Pulmonary hypertension, primary, 2. Identifiers: Orphanet 422, MedGen C3888002, MONDO:0014134, OMIM 615342.

Allele frequency attached by ClinVar (database versions not stated): gnomAD 0.00001; gnomAD exomes 0.00001.
gnomAD v4.1: 10 of 1,613,934 alleles (0.00062%); highest among the groups gnomAD compares: East Asian, 0.0067%; no homozygotes.

Submissions (2):

Fulgent Genetics
Classification: Uncertain significance for Pulmonary hypertension, primary, 2. Last evaluated: 2024-04-03. Review status: criteria provided, single submitter. Criteria: ACMG Guidelines, 2015. Collection method: clinical testing. Allele origin: germline.

Labcorp Genetics (formerly Invitae), Labcorp
Classification: Uncertain significance for Pulmonary hypertension, primary, 2. Last evaluated: 2021-12-22. Review status: criteria provided, single submitter. Criteria: Invitae Variant Classification Sherloc (09022015). Collection method: clinical testing. Allele origin: germline.
Comment: This sequence change replaces proline, which is neutral and non-polar, with leucine, which is neutral and non-polar, at codon 185 of the SMAD9 protein (p.Pro185Leu). This variant is present in population databases (no rsID available, gnomAD 0.02%). This variant has not been reported in the literature in individuals affected with SMAD9-related conditions. Algorithms developed to predict the effect of missense changes on protein structure and function output the following: SIFT: "Tolerated"; PolyPhen-2: "Benign"; Align-GVGD: "Class C0". The leucine amino acid residue is found in multiple mammalian species, which suggests that this missense change does not adversely affect protein function. In summary, the available evidence is currently insufficient to determine the role of this variant in disease. Therefore, it has been classified as a Variant of Uncertain Significance.

NM_001127217.3(SMAD9):c.554C>T (p.Pro185Leu)

Gene: SMAD9 (SMAD family member 9; minus strand). Cytogenetic location: 13q13.3.
Variant type: single nucleotide variant.
Coding change: c.554C>T on transcript NM_001127217.3 (MANE Select); coding-DNA position 554, C replaced by T.
Protein change: p.Pro185Leu; replaces proline 185 with leucine.
Molecular consequence: missense variant.
Genome position (GRCh38, 1-based): chr13:36,872,774, G>A on the plus strand (C>T on the coding strand, the complement: SMAD9 is on the minus strand). VCF-style: chr13-36872774-G-A. GRCh37 (hg19) VCF-style: chr13-37446911-G-A.
Other names: c.554C>T, p.Pro185Leu (NM_001378621.1, NM_005905.6); short protein forms P185L.
Identifiers: ClinVar variation 2197339 (VCV002197339.4), dbSNP rs1002666404, ClinGen allele CA248210892.